The following is an entry in ClinVar:

ClinVar aggregate classification (germline): Uncertain significance (1 of 4 stars; one submission).

Conditions:
Hereditary cancer-predisposing syndrome. Also called: Neoplastic Syndromes, Hereditary; Tumor predisposition; Hereditary neoplastic syndrome; Hereditary Cancer Syndrome. Identifiers: Orphanet 140162, MedGen C0027672, MeSH D009386, MONDO:0015356.

Submission:

Ambry Genetics
Classification: Uncertain significance for Hereditary cancer-predisposing syndrome. Last evaluated: 2019-07-29. Review status: criteria provided, single submitter. Criteria: Ambry Variant Classification Scheme 2023. Collection method: clinical testing. Allele origin: germline.
Comment: The p.K1807Q variant (also known as c.5419A>C), located in coding exon 35 of the ATM gene, results from an A to C substitution at nucleotide position 5419. The lysine at codon 1807 is replaced by glutamine, an amino acid with similar properties. While this exact alteration has not been reported in the literature, a similar alteration at the same position, c.5419A>G, has been shown to result in reduced ATM kinase activity (Barone G et al. Hum. Mutat. 2009 Aug;30(8):1222-30). This amino acid position is highly conserved in available vertebrate species. In addition, the in silico prediction for this alteration is inconclusive. Since supporting evidence is limited at this time, the clinical significance of this alteration remains unclear.

NM_000051.4(ATM):c.5419A>C (p.Lys1807Gln)

Gene: ATM (ATM serine/threonine kinase; plus strand). Cytogenetic location: 11q22.3.
Variant type: single nucleotide variant.
Coding change: c.5419A>C on transcript NM_000051.4 (MANE Select); coding-DNA position 5419, A replaced by C.
Protein change: p.Lys1807Gln; replaces lysine 1807 with glutamine.
Molecular consequence: missense variant.
Genome position (GRCh38, 1-based): chr11:108,302,952, A>C. VCF-style: chr11-108302952-A-C. GRCh37 (hg19) VCF-style: chr11-108173679-A-C.
Other names: c.5419A>C, p.Lys1807Gln (NM_001351834.2); short protein forms K1807Q.
Identifiers: ClinVar variation 825716 (VCV000825716.4), dbSNP rs1591712583, ClinGen allele CA382543894.
Genomic context (GRCh38, chr11:108,302,952, plus strand): 5'-GAAGGCCTGGATGATATAAATCTGTGGATTCCTCTAAGTGAAAATCATGACATTTGGATA[A>C]AGACACTGACTTGTGCTTTTTTGGACAGTGGAGGCACAAAATGTGAAATTCTTCAATTAT-3'
Protein context (NP_000042.3, residues 1797-1817): PLSENHDIWI[Lys1807Gln]TLTCAFLDSG